The following is an entry in ClinVar:

ClinVar aggregate classification (germline): Benign (1 of 4 stars; one submission).

Conditions:
Familial cancer of breast. Also called: Hereditary breast cancer; hereditary breast carcinoma; BREAST CANCER, FAMILIAL. Identifiers: Orphanet 227535, MedGen C0346153, MONDO:0016419, OMIM 114480. Disease mechanism: loss of function.

Submission:

Myriad Genetics, Inc.
Classification: Benign for Familial cancer of breast. Last evaluated: 2025-01-21. Review status: criteria provided, single submitter. Criteria: Myriad Autosomal Dominant, Autosomal Recessive and X-Linked Classification Criteria (2023). Collection method: clinical testing. Allele origin: unknown.
Comment: This variant is considered benign. This variant is a silent/synonymous amino acid change and it is not expected to impact splicing.

NM_024675.4(PALB2):c.2914C>T (p.Leu972=)

Gene: PALB2 (partner and localizer of BRCA2; minus strand). Cytogenetic location: 16p12.2.
Variant type: single nucleotide variant.
Coding change: c.2914C>T on transcript NM_024675.4 (MANE Select); coding-DNA position 2914, C replaced by T.
Protein change: p.Leu972=; no amino-acid change (leucine 972 retained).
Molecular consequence: synonymous variant. On other transcripts: intron variant (1).
Genome position (GRCh38, 1-based): chr16:23,623,051, G>A on the plus strand (C>T on the coding strand, the complement: PALB2 is on the minus strand). VCF-style: chr16-23623051-G-A. GRCh37 (hg19) VCF-style: chr16-23634372-G-A.
Other names: c.2854C>T, p.Leu952= (NM_001407296.1); c.2842C>T, p.Leu948= (NM_001407297.1); c.2752C>T, p.Leu918= (NM_001407298.1, NM_001407302.1); c.2914C>T, p.Leu972= (NM_001407299.1, NM_001407301.1); c.2029C>T, p.Leu677= (NM_001407304.1, NM_001407305.1, NM_001407306.1 and 4 more transcripts); c.1867C>T, p.Leu623= (NM_001407307.1); c.1126C>T, p.Leu376= (NM_001407312.1, NM_001407313.1); c.448C>T, p.Leu150= (NM_001407314.1); and 1 more.
Identifiers: ClinVar variation 3904131 (VCV003904131.1).